The following is an entry in ClinVar:

NM_002880.4(RAF1):c.1625T>C (p.Met542Thr)

Gene: RAF1 (Raf-1 proto-oncogene, serine/threonine kinase; minus strand). Cytogenetic location: 3p25.2.
Variant type: single nucleotide variant.
Coding change: c.1625T>C on transcript NM_002880.4 (MANE Select); coding-DNA position 1625, T replaced by C.
Protein change: p.Met542Thr; replaces methionine 542 with threonine.
Molecular consequence: missense variant. On other transcripts: non-coding transcript variant (3).
Genome position (GRCh38, 1-based): chr3:12,585,165, A>G on the plus strand (T>C on the coding strand, the complement: RAF1 is on the minus strand). VCF-style: chr3-12585165-A-G. GRCh37 (hg19) VCF-style: chr3-12626664-A-G.
Other names: c.1685T>C, p.Met562Thr (NM_001354689.3); c.1625T>C, p.Met542Thr (NM_001354690.3); c.1382T>C, p.Met461Thr (NM_001354691.3, NM_001354692.3); c.1526T>C, p.Met509Thr (NM_001354693.3); c.1442T>C, p.Met481Thr (NM_001354694.3); c.1283T>C, p.Met428Thr (NM_001354695.3); short protein forms M428T, M481T, M542T, M461T, M562T, M509T.
Identifiers: ClinVar variation 4737992 (VCV004737992.2).

ClinVar aggregate classification (germline): Uncertain significance. Review status: criteria provided, multiple submitters, no conflicts (2 of 4 stars). 2 submissions from 2 submitters: Uncertain significance (2). Last evaluated 2025-12-22.

Conditions:
RASopathy. Also called: rasopathies; Noonan spectrum disorder. Identifiers: Orphanet 536391, MedGen C5555857, MONDO:0021060.
Cardiovascular phenotype. Identifiers: MedGen CN230736.

gnomAD v4.1: 4 of 1,614,076 alleles (0.00025%); highest among the groups gnomAD compares: Non-Finnish European, 0.00034%; no homozygotes.

Submissions (2):

Ambry Genetics
Classification: Uncertain significance for Cardiovascular phenotype. Last evaluated: 2025-12-22. Review status: criteria provided, single submitter. Criteria: Ambry Variant Classification Scheme 2023. Collection method: clinical testing. Allele origin: germline.
Comment: The p.M542T variant (also known as c.1625T>C), located in coding exon 14 of the RAF1 gene, results from a T to C substitution at nucleotide position 1625. The methionine at codon 542 is replaced by threonine, an amino acid with similar properties. This amino acid position is highly conserved in available vertebrate species. In addition, this alteration is predicted to be deleterious by in silico analysis. Based on the available evidence, the clinical significance of this variant remains unclear.

Labcorp Genetics (formerly Invitae), Labcorp
Classification: Uncertain significance for RASopathy. Last evaluated: 2025-11-15. Review status: criteria provided, single submitter. Criteria: Invitae Variant Classification Sherloc (09022015). Collection method: clinical testing. Allele origin: germline.
Comment: This sequence change replaces methionine, which is neutral and non-polar, with threonine, which is neutral and polar, at codon 542 of the RAF1 protein (p.Met542Thr). This variant is present in population databases (rs553449714, gnomAD 0.003%). This missense change has been observed in individual(s) with clinical features of RAF1-related conditions (PMID: 38254962). Invitae Evidence Modeling of protein sequence and biophysical properties (such as structural, functional, and spatial information, amino acid conservation, physicochemical variation, residue mobility, and thermodynamic stability) indicates that this missense variant is expected to disrupt RAF1 protein function with a positive predictive value of 95%. In summary, the available evidence is currently insufficient to determine the role of this variant in disease. Therefore, it has been classified as a Variant of Uncertain Significance.

Literature cited by the submitters: PubMed 38254962 (cited by Labcorp Genetics (formerly Invitae), Labcorp).